The following is an entry in ClinVar:

ClinVar aggregate classification (germline): Pathogenic (1 of 4 stars; one submission).

Submission:

Labcorp Genetics (formerly Invitae), Labcorp
Classification: Pathogenic. Last evaluated: 2024-03-27. Review status: criteria provided, single submitter. Criteria: Invitae Variant Classification Sherloc (09022015). Collection method: clinical testing. Allele origin: germline.
Comment: This sequence change creates a premature translational stop signal (p.Thr534Profs*9) in the NAA15 gene. It is expected to result in an absent or disrupted protein product. Loss-of-function variants in NAA15 are known to be pathogenic (PMID: 28191889, 29656860). This variant is not present in population databases (gnomAD no frequency). This variant has not been reported in the literature in individuals affected with NAA15-related conditions. Algorithms developed to predict the effect of sequence changes on RNA splicing suggest that this variant may disrupt the consensus splice site. For these reasons, this variant has been classified as Pathogenic.

Literature cited by the submitters: PubMed 28191889; PubMed 29656860.

NM_057175.5(NAA15):c.1599del (p.Thr534fs)

Gene: NAA15 (N-alpha-acetyltransferase 15, NatA auxiliary subunit; plus strand). Cytogenetic location: 4q31.1.
Variant type: Deletion.
Coding change: c.1599del on transcript NM_057175.5 (MANE Select); coding-DNA position 1599, one base deleted (T; older notation c.1599delT).
Protein change: p.Thr534fs; shifts the reading frame from threonine 534.
Molecular consequence: frameshift variant.
Genome position (GRCh38, 1-based): chr4:139,361,783, T deleted; the last of 2 consecutive T bases (chr4:139,361,782-139,361,783); deleting either gives the same sequence. VCF-style (leftmost placement, unchanged base first): chr4-139361781-AT-A. GRCh37 (hg19) VCF-style: chr4-140282935-AT-A.
Other names: c.1599del, p.Thr534fs (NM_001410842.1); short protein forms T534fs.
Identifiers: ClinVar variation 3647815 (VCV003647815.2).